The following is an entry in ClinVar:

NM_003036.4(SKI):c.1748C>G (p.Ala583Gly)

Gene: SKI (SKI proto-oncogene; plus strand). Cytogenetic location: 1p36.32.
Variant type: single nucleotide variant.
Coding change: c.1748C>G on transcript NM_003036.4 (MANE Select); coding-DNA position 1748, C replaced by G.
Protein change: p.Ala583Gly; replaces alanine 583 with glycine.
Molecular consequence: missense variant.
Genome position (GRCh38, 1-based): chr1:2,304,566, C>G. VCF-style: chr1-2304566-C-G. GRCh37 (hg19) VCF-style: chr1-2236005-C-G.
Other names: short protein forms A583G.
Identifiers: ClinVar variation 4996637 (VCV004996637.1).

ClinVar aggregate classification (germline): Uncertain significance (1 of 4 stars; one submission).

Conditions:
SKI-related disorder. Also called: SKI-related condition.

Submission:

PreventionGenetics, part of Exact Sciences
Classification: Uncertain significance for SKI-related condition. Last evaluated: 2026-03-24. Review status: criteria provided, single submitter. Criteria: ACMG Guidelines, 2015. Collection method: clinical testing. Allele origin: germline.
Comment: The SKI c.1748C>G variant is predicted to result in the amino acid substitution p.Ala583Gly. To our knowledge, this variant has not been reported in the literature or in a large population database (gnomAD), indicating this variant is rare. At this time, the clinical significance of this variant is uncertain due to the absence of conclusive functional and genetic evidence.